The following is an entry in ClinVar:

NM_002474.3(MYH11):c.4949T>C (p.Leu1650Pro)

Genes: MYH11 (myosin heavy chain 11; minus strand), NDE1 (nudE neurodevelopment protein 1; plus strand). Cytogenetic location: 16p13.11.
Variant type: single nucleotide variant.
Coding change: c.4949T>C on transcript NM_002474.3 (MANE Select); coding-DNA position 4949, T replaced by C.
Protein change: p.Leu1650Pro; replaces leucine 1650 with proline.
Molecular consequence: missense variant. On other transcripts: intron variant (2).
Genome position (GRCh38, 1-based): chr16:15,720,155, A>G on the plus strand (T>C on the coding strand, the complement: MYH11 is on the minus strand). VCF-style: chr16-15720155-A-G. GRCh37 (hg19) VCF-style: chr16-15814012-A-G.
Other names: c.4970T>C, p.Leu1657Pro (NM_001040113.2, NM_001040114.2); c.4949T>C, p.Leu1650Pro (NM_022844.3); c.948-4036A>G (NM_001143979.2, NM_017668.3); short protein forms L1650P, L1657P.
Identifiers: ClinVar variation 1203691 (VCV001203691.3), dbSNP rs1242915320, ClinGen allele CA394852214.
Genomic context (GRCh38, chr16:15,720,155, plus strand): 5'-CTGAGGGGAACTGTGCCCTCCCTCCACCCATGCCCCAAGCTCCTAGTGTCACCCACCTGC[A>G]GTTTGCGTAGCTGCTTGATGGCTTCCTCCCTCCCCTTGATGGCAGAGTCGGCCTGAAGCT-3'
Protein context (NP_002465.1, residues 1640-1660): REEAIKQLRK[Leu1650Pro]QAQMKDFQRE

ClinVar aggregate classification (germline): Uncertain significance (1 of 4 stars; one submission).

Submission:

GeneDx
Classification: Uncertain significance. Last evaluated: 2020-12-21. Review status: criteria provided, single submitter. Criteria: GeneDx Variant Classification Process June 2021. Collection method: clinical testing. Allele origin: germline. Affected: yes.
Comment: Has not been previously published as pathogenic or benign to our knowledge; Not observed in large population cohorts (Lek et al., 2016); In silico analysis supports that this missense variant has a deleterious effect on protein structure/function